The following is an entry in ClinVar:

NM_177438.3(DICER1):c.5378A>G (p.Glu1793Gly)

Gene: DICER1 (dicer 1, ribonuclease III; minus strand). Cytogenetic location: 14q32.13.
Variant type: single nucleotide variant.
Coding change: c.5378A>G on transcript NM_177438.3 (MANE Select); coding-DNA position 5378, A replaced by G.
Protein change: p.Glu1793Gly; replaces glutamic acid 1793 with glycine.
Molecular consequence: missense variant. On other transcripts: non-coding transcript variant (6), intron variant (1).
Genome position (GRCh38, 1-based): chr14:95,091,352, T>C on the plus strand (A>G on the coding strand, the complement: DICER1 is on the minus strand). VCF-style: chr14-95091352-T-C. GRCh37 (hg19) VCF-style: chr14-95557689-T-C.
Other names: c.5096A>G, p.Glu1699Gly (NM_001395686.1); c.4973A>G, p.Glu1658Gly (NM_001395687.1, NM_001395688.1, NM_001395689.1 and 1 more transcripts); c.4811A>G, p.Glu1604Gly (NM_001395691.1); c.3695A>G, p.Glu1232Gly (NM_001395697.1); c.5378A>G, p.Glu1793Gly (NM_030621.4, NM_001271282.3, NM_001291628.2 and 7 more transcripts); c.5365-243A>G (NM_001195573.1); short protein forms E1658G, E1232G, E1604G, E1793G, E1699G.
Identifiers: ClinVar variation 4746768 (VCV004746768.1).

ClinVar aggregate classification (germline): Uncertain significance (1 of 4 stars; one submission).

Conditions:
DICER1-related tumor predisposition. Also called: DICER1-related pleuropulmonary blastoma cancer predisposition syndrome; DICER1 syndrome. Identifiers: Orphanet 284343, MedGen C3839822, MONDO:0100216.

Submission:

Labcorp Genetics (formerly Invitae), Labcorp
Classification: Uncertain significance for DICER1-related tumor predisposition. Last evaluated: 2025-08-07. Review status: criteria provided, single submitter. Criteria: Invitae Variant Classification Sherloc (09022015). Collection method: clinical testing. Allele origin: germline.
Comment: This sequence change replaces glutamic acid, which is acidic and polar, with glycine, which is neutral and non-polar, at codon 1793 of the DICER1 protein (p.Glu1793Gly). This variant is not present in population databases (gnomAD no frequency). This variant has not been reported in the literature in individuals affected with DICER1-related conditions. Invitae Evidence Modeling of protein sequence and biophysical properties (such as structural, functional, and spatial information, amino acid conservation, physicochemical variation, residue mobility, and thermodynamic stability) indicates that this missense variant is not expected to disrupt DICER1 protein function with a negative predictive value of 95%. In summary, the available evidence is currently insufficient to determine the role of this variant in disease. Therefore, it has been classified as a Variant of Uncertain Significance.